The following is an entry in ClinVar:

ClinVar aggregate classification (germline): Uncertain significance (1 of 4 stars; one submission).

Allele frequency attached by ClinVar (database versions not stated): ExAC 0.00001; gnomAD 0.00001; gnomAD exomes 0.00001.
gnomAD v4.1: 7 of 1,611,800 alleles (0.00043%); highest among the groups gnomAD compares: Non-Finnish European, 0.00059%; no homozygotes.

Submission:

Labcorp Genetics (formerly Invitae), Labcorp
Classification: Uncertain significance. Last evaluated: 2022-05-24. Review status: criteria provided, single submitter. Criteria: Invitae Variant Classification Sherloc (09022015). Collection method: clinical testing. Allele origin: germline.
Comment: In summary, the available evidence is currently insufficient to determine the role of this variant in disease. Therefore, it has been classified as a Variant of Uncertain Significance. Algorithms developed to predict the effect of missense changes on protein structure and function (SIFT, PolyPhen-2, Align-GVGD) all suggest that this variant is likely to be tolerated. This variant has not been reported in the literature in individuals affected with CNNM2-related conditions. This variant is present in population databases (rs764846747, gnomAD 0.0009%). This sequence change replaces proline, which is neutral and non-polar, with leucine, which is neutral and non-polar, at codon 147 of the CNNM2 protein (p.Pro147Leu).

NM_017649.5(CNNM2):c.440C>T (p.Pro147Leu)

Genes: CNNM2 (cyclin and CBS domain divalent metal cation transport mediator 2; plus strand), LOC130004628 (ATAC-STARR-seq lymphoblastoid silent region 2775; plus strand). Cytogenetic location: 10q24.32.
Variant type: single nucleotide variant.
Coding change: c.440C>T on transcript NM_017649.5 (MANE Select); coding-DNA position 440, C replaced by T.
Protein change: p.Pro147Leu; replaces proline 147 with leucine.
Molecular consequence: missense variant.
Genome position (GRCh38, 1-based): chr10:102,918,920, C>T. VCF-style: chr10-102918920-C-T. GRCh37 (hg19) VCF-style: chr10-104678677-C-T.
Other names: c.440C>T, p.Pro147Leu (NM_199076.3, NM_199077.3); short protein forms P147L.
Identifiers: ClinVar variation 2103637 (VCV002103637.4), dbSNP rs764846747, ClinGen allele CA5670274.